The following is an entry in ClinVar:

NM_000038.6(APC):c.3045T>A (p.Asp1015Glu)

Gene: APC (APC regulator of Wnt signaling pathway; plus strand). Cytogenetic location: 5q22.2.
Variant type: single nucleotide variant.
Coding change: c.3045T>A on transcript NM_000038.6 (MANE Select); coding-DNA position 3045, T replaced by A.
Protein change: p.Asp1015Glu; replaces aspartic acid 1015 with glutamic acid.
Molecular consequence: missense variant. On other transcripts: non-coding transcript variant (2).
Genome position (GRCh38, 1-based): chr5:112,838,639, T>A. VCF-style: chr5-112838639-T-A. GRCh37 (hg19) VCF-style: chr5-112174336-T-A.
Other names: c.3045T>A, p.Asp1015Glu (NM_001127510.3, NM_001354895.2, NM_001407450.1); c.2991T>A, p.Asp997Glu (NM_001127511.3); c.3099T>A, p.Asp1033Glu (NM_001354896.2, NM_001407447.1, NM_001407448.1 and 1 more transcripts); c.3075T>A, p.Asp1025Glu (NM_001354897.2); c.2970T>A, p.Asp990Glu (NM_001354898.2); c.2961T>A, p.Asp987Glu (NM_001354899.2); c.2922T>A, p.Asp974Glu (NM_001354900.2); c.2868T>A, p.Asp956Glu (NM_001354901.2, NM_001407453.1); and 11 more; short protein forms D1015E, D1033E, D732E, D886E, D997E, D1025E, D1043E, D889E.
Identifiers: ClinVar variation 4585191 (VCV004585191.1).

ClinVar aggregate classification (germline): Uncertain significance (1 of 4 stars; one submission).

Conditions:
Hereditary cancer-predisposing syndrome. Also called: Neoplastic Syndromes, Hereditary; Tumor predisposition; Hereditary Cancer Syndrome; Hereditary neoplastic syndrome. Identifiers: Orphanet 140162, MedGen C0027672, MeSH D009386, MONDO:0015356.

Submission:

Ambry Genetics
Classification: Uncertain significance for Hereditary cancer-predisposing syndrome. Last evaluated: 2025-10-22. Review status: criteria provided, single submitter. Criteria: Ambry Variant Classification Scheme 2023. Collection method: clinical testing. Allele origin: germline.
Comment: The p.D1015E variant (also known as c.3045T>A), located in coding exon 15 of the APC gene, results from a T to A substitution at nucleotide position 3045. The aspartic acid at codon 1015 is replaced by glutamic acid, an amino acid with highly similar properties. This amino acid position is conserved. In addition, in silico predictors for this gene do not accurately predict pathogenicity. Based on the available evidence, the clinical significance of this variant remains unclear.